The following is an entry in ClinVar:

ClinVar aggregate classification (germline): Pathogenic/Likely pathogenic. Review status: criteria provided, multiple submitters, no conflicts (2 of 4 stars). 5 submissions from 5 submitters: Pathogenic (4); Likely pathogenic (1). Last evaluated 2025-05-19.

Conditions:
SUFU-related disorder. Also called: SUFU-related condition; SUFU-related disorders.
Gorlin syndrome. Also called: Nevoid Basal Cell Carcinoma Syndrome; Basal cell nevus syndrome. Identifiers: Orphanet 377, MedGen C0004779, MONDO:0007187.
Basal cell nevus syndrome 2 (BCNS2). Also called: NEVOID BASAL CELL CARCINOMA SYNDROME 2. Identifiers: MedGen C5830451, MONDO:0958189, OMIM 620343.
Medulloblastoma (MDB). Also called: MEDULLOBLASTOMA PREDISPOSITION SYNDROME; Medulloblastoma, somatic. Identifiers: Orphanet 616, MedGen C0025149, MeSH D008527, MONDO:0007959, OMIM 155255, HP:0002885.

Submissions (5):

Labcorp Genetics (formerly Invitae), Labcorp
Classification: Pathogenic for Gorlin syndrome; Medulloblastoma. Last evaluated: 2025-05-19. Review status: criteria provided, single submitter. Criteria: Invitae Variant Classification Sherloc (09022015). Collection method: clinical testing. Allele origin: germline.
Comment: This sequence change creates a premature translational stop signal (p.Thr13Trpfs*29) in the SUFU gene. It is expected to result in an absent or disrupted protein product. Loss-of-function variants in SUFU are known to be pathogenic (PMID: 22508808, 25403219, 33024317). This variant is not present in population databases (gnomAD no frequency). This premature translational stop signal has been observed in individual(s) with medulloblastoma (PMID: 29489754, 29753700). ClinVar contains an entry for this variant (Variation ID: 1072595). For these reasons, this variant has been classified as Pathogenic.

Institute for Genomic Medicine (IGM) Clinical Laboratory, Nationwide Children's Hospital
Classification: Pathogenic for Basal cell nevus syndrome 2. Last evaluated: 2025-03-27. Review status: criteria provided, single submitter. Criteria: ACMG Guidelines, 2015. Collection method: clinical testing. Allele origin: germline.
Comment: This variant is predicted to result in loss of function through nonsense-mediated decay of the encoded transcript or premature truncation of the encoded protein in a gene in which loss of function is a known mechanism of disease (ACMG/AMP: PVS1). This variant has been reported at an elevated frequency in affected individuals/in multiple affected individuals in the literature (ACMG/AMP: PS4_Supporting; PMID:29753700). This variant is absent from or present at an exceedingly low frequency in gnomAD, a large-scale control population database (ACMG/AMP: PM2).

Human Genetics Bochum, Ruhr University Bochum
Classification: Pathogenic for Basal cell nevus syndrome 2. Last evaluated: 2024-08-12. Review status: criteria provided, single submitter. Criteria: ACMG Guidelines, 2015. Collection method: clinical testing. Allele origin: germline. Affected: yes.
Comment: ACMG criteria used to clasify this variant: PVS1, PS4_SUP, PM2_SUP

Blueprint Genetics
Classification: Likely pathogenic for SUFU-related disorders. Last evaluated: 2021-05-17. Review status: criteria provided, single submitter. Criteria: ACMG Guidelines, 2015. Collection method: clinical testing. Allele origin: germline. Affected: yes. Observed: 2 variant alleles.

Victorian Clinical Genetics Services, Murdoch Childrens Research Institute
Classification: Pathogenic for Gorlin syndrome. Last evaluated: 2020-05-21. Review status: criteria provided, single submitter. Criteria: ACMG Guidelines, 2015. Collection method: clinical testing. Allele origin: germline.
Comment: A heterozygous deletion variant was identified, NM_016169.3(SUFU):c.37_53del in exon 1 of 12 of the SUFU gene. This deletion is predicted to cause a frameshift from amino acid position 13 introducing a stop codon downstream; NP_057253.2(SUFU):p.(Thr13Trpfs*29), resulting in nonsense-mediated decay (NMD). The variant is not present in the gnomAD population database and the variant has not been previously observed in clinical cases. Other variants predicted to cause NMD have been reported as pathogenic in individuals with Gorlin syndrome (ClinVar). Based on information available at the time of curation, this variant has been classified as PATHOGENIC. Legend: (P) - Pathogenic, (N) - Neutral, (B) - Benign

Literature cited by the submitters: PubMed 22508808 (cited by Labcorp Genetics (formerly Invitae), Labcorp); PubMed 25403219 (cited by Labcorp Genetics (formerly Invitae), Labcorp); PubMed 33024317 (cited by Labcorp Genetics (formerly Invitae), Labcorp); PubMed 29489754 (cited by Labcorp Genetics (formerly Invitae), Labcorp); PubMed 29753700 (cited by Labcorp Genetics (formerly Invitae), Labcorp and Institute for Genomic Medicine (IGM) Clinical Laboratory, Nationwide Children's Hospital).

NM_016169.4(SUFU):c.37_53del (p.Thr13fs)

Genes: SUFU (SUFU negative regulator of hedgehog signaling; plus strand), LOC130004614 (ATAC-STARR-seq lymphoblastoid silent region 2764; plus strand). Cytogenetic location: 10q24.32.
Variant type: Deletion.
Coding change: c.37_53del on transcript NM_016169.4 (MANE Select); coding-DNA positions 37 to 53, 17 bases deleted (ACCGCGCCCCCGGCCCC).
Protein change: p.Thr13fs; shifts the reading frame from threonine 13.
Molecular consequence: frameshift variant.
Genome position (GRCh38, 1-based): chr10:102,504,189-102,504,205, ACCGCGCCCCCGGCCCC deleted; deleting any 17 consecutive bases within chr10:102,504,175-102,504,205 gives the same sequence; the c. name uses the placement nearest the transcript's 3' end. VCF-style (leftmost placement, unchanged base first): chr10-102504174-GGCGCCCCCGGCCCCACC-G. GRCh37 (hg19) VCF-style: chr10-104263931-GGCGCCCCCGGCCCCACC-G.
Other names: c.37_53del, p.Thr13fs (NM_001178133.2); c.37_53del (NM_016169.3); short protein forms T13fs.
Identifiers: ClinVar variation 1072595 (VCV001072595.13), dbSNP rs2135597189, ClinGen allele CA923726182.